The following is an entry in ClinVar:

NM_032578.4(MYPN):c.1131-47A>T

Gene: MYPN (myopalladin; plus strand). Cytogenetic location: 10q21.3.
Variant type: single nucleotide variant.
Coding change: c.1131-47A>T on transcript NM_032578.4 (MANE Select); 47 bases into the intron before coding-DNA position 1131, A replaced by T.
Molecular consequence: intron variant.
Genome position (GRCh38, 1-based): chr10:68,148,306, A>T. VCF-style: chr10-68148306-A-T. GRCh37 (hg19) VCF-style: chr10-69908063-A-T.
Other names: c.1131-47A>T (NM_001256267.2); c.249-47A>T (NM_001256268.2).
Identifiers: ClinVar variation 671384 (VCV000671384.2), dbSNP rs11598744, ClinGen allele CA5522454.

ClinVar aggregate classification (germline): Benign. Review status: criteria provided, multiple submitters, no conflicts (2 of 4 stars). 2 submissions from 2 submitters: Benign (2). Last evaluated 2018-06-19.

Allele frequency attached by ClinVar (database versions not stated): gnomAD exomes 0.01711 and 0.02364; ExAC 0.02696; gnomAD 0.04766; ESP Exome Variant Server 0.05157; TOPMed 0.05301; 1000 Genomes Project 0.05771; 1000 Genomes Project 30x 0.06090.
gnomAD v4.1: 29,543 of 1,423,792 alleles (2.1%); highest among the groups gnomAD compares: African/African-American, 14%; 914 homozygotes.

Submissions (2):

GeneDx
Classification: Benign. Last evaluated: 2018-06-19. Review status: criteria provided, single submitter. Criteria: GeneDx Variant Classification (06012015). Collection method: clinical testing. Allele origin: germline. Affected: yes.
Comment: This variant is considered likely benign or benign based on one or more of the following criteria: it is a conservative change, it occurs at a poorly conserved position in the protein, it is predicted to be benign by multiple in silico algorithms, and/or has population frequency not consistent with disease.

Breakthrough Genomics
Classification: Benign. Review status: criteria provided, single submitter. Criteria: ACMG Guidelines, 2015. Collection method: not provided. Allele origin: germline. Inheritance: Autosomal recessive inheritance. Affected: yes.